The following is an entry in ClinVar:

NM_022089.4(ATP13A2):c.2763-4_2763-1del

Gene: ATP13A2 (ATPase cation transporting 13A2; minus strand). Cytogenetic location: 1p36.13.
Variant type: Deletion.
Coding change: c.2763-4_2763-1del on transcript NM_022089.4 (MANE Select); 4 bases into the intron before coding-DNA position 2763 through the canonical splice acceptor site of the intron before coding-DNA position 2763, 4 bases deleted (CCAG; older notation c.2763-4_2763-1delCCAG).
Molecular consequence: splice acceptor variant.
Genome position (GRCh38, 1-based): chr1:16,988,235-16,988,238, CTGG deleted on the plus strand (CCAG on the coding strand, the reverse complement: ATP13A2 is on the minus strand). VCF-style (leftmost placement, unchanged base first): chr1-16988234-CCTGG-C. GRCh37 (hg19) VCF-style: chr1-17314729-CCTGG-C.
Other names: c.2631-4_2631-1del (NM_001141974.3); c.2748-4_2748-1del (NM_001141973.3).
Identifiers: ClinVar variation 2108689 (VCV002108689.4), dbSNP rs2522914398, ClinGen allele CA2580060650.

ClinVar aggregate classification (germline): Likely pathogenic (1 of 4 stars; one submission).

Conditions:
Kufor-Rakeb syndrome (KRS). Also called: PARKINSON DISEASE 9, AUTOSOMAL RECESSIVE, JUVENILE-ONSET. Identifiers: Orphanet 306674, Orphanet 314632, MedGen C1847640, MONDO:0011706, OMIM 606693.
Autosomal recessive spastic paraplegia type 78. Identifiers: Orphanet 513436, MedGen C5567893, MONDO:0014975, OMIM 617225.

Submission:

Labcorp Genetics (formerly Invitae), Labcorp
Classification: Likely pathogenic for Kufor-Rakeb syndrome; Autosomal recessive spastic paraplegia type 78. Last evaluated: 2022-03-11. Review status: criteria provided, single submitter. Criteria: Invitae Variant Classification Sherloc (09022015). Collection method: clinical testing. Allele origin: germline.
Comment: In summary, the currently available evidence indicates that the variant is pathogenic, but additional data are needed to prove that conclusively. Therefore, this variant has been classified as Likely Pathogenic. Algorithms developed to predict the effect of sequence changes on RNA splicing suggest that this variant may disrupt the consensus splice site. This variant has not been reported in the literature in individuals affected with ATP13A2-related conditions. This variant is not present in population databases (gnomAD no frequency). This sequence change affects a splice site in intron 24 of the ATP13A2 gene. It is expected to disrupt RNA splicing. Variants that disrupt the donor or acceptor splice site typically lead to a loss of protein function (PMID: 16199547), and loss-of-function variants in ATP13A2 are known to be pathogenic (PMID: 16964263, 21696388).

Literature cited by the submitters: PubMed 16199547; PubMed 16964263; PubMed 21696388.